The following is an entry in ClinVar:

ClinVar aggregate classification (germline): Benign/Likely benign. Review status: criteria provided, multiple submitters, no conflicts (2 of 4 stars). 3 submissions from 3 submitters: Benign (1); Likely benign (2). Last evaluated 2026-07-07.

Conditions:
Rhabdoid tumor predisposition syndrome 2 (RTPS2). Identifiers: Orphanet 231108, Orphanet 69077, MedGen C2750074, MONDO:0013224, OMIM 613325.

Submissions (3):

Myriad Genetics, Inc.
Classification: Likely benign for Rhabdoid tumor predisposition syndrome 2. Last evaluated: 2026-07-07. Review status: criteria provided, single submitter. Criteria: Myriad Autosomal Dominant, Autosomal Recessive and X-Linked Classification Criteria (2023). Collection method: clinical testing. Allele origin: unknown.
Comment: This variant is considered likely benign. This variant is intronic and is not expected to impact mRNA splicing.

Labcorp Genetics (formerly Invitae), Labcorp
Classification: Benign for Rhabdoid tumor predisposition syndrome 2. Last evaluated: 2025-04-27. Review status: criteria provided, single submitter. Criteria: Invitae Variant Classification Sherloc (09022015). Collection method: clinical testing. Allele origin: germline.

GeneDx
Classification: Likely benign. Last evaluated: 2023-11-21. Review status: criteria provided, single submitter. Criteria: GeneDx Variant Classification Process June 2021. Collection method: clinical testing. Allele origin: germline. Affected: yes.
Comment: See Variant Classification Assertion Criteria.

NM_003072.5(SMARCA4):c.1944-5dup

Gene: SMARCA4 (SWI/SNF related BAF chromatin remodeling complex subunit ATPase 4; plus strand). Cytogenetic location: 19p13.2.
Variant type: Duplication.
Coding change: c.1944-5dup on transcript NM_003072.5 (MANE Select); 5 bases into the intron before coding-DNA position 1944, one base duplicated (T; older notation c.1944-5dupT).
Molecular consequence: intron variant.
Genome position (GRCh38, 1-based): chr19:11,003,335, T duplicated; the last of 6 consecutive T bases (chr19:11,003,330-11,003,335); duplicating any one gives the same sequence. VCF-style (leftmost placement, unchanged base first): chr19-11003329-A-AT. GRCh37 (hg19) VCF-style: chr19-11114005-A-AT.
Other names: c.1944-5dupT (NM_001128849.1); c.1944-5dup (NM_001128844.3, NM_001128849.3, NM_001128847.4 and 5 more transcripts).
Identifiers: ClinVar variation 514038 (VCV000514038.7), dbSNP rs1555768671, ClinGen allele CA658799137.